The following is an entry in ClinVar:

ClinVar aggregate classification (germline): Uncertain significance (1 of 4 stars; one submission).

Submission:

GeneDx
Classification: Uncertain significance. Last evaluated: 2024-06-18. Review status: criteria provided, single submitter. Criteria: GeneDx Variant Classification Process June 2021. Collection method: clinical testing. Allele origin: germline. Affected: yes.
Comment: Nonsense variant predicted to result in protein truncation or nonsense mediated decay in a gene or region of a gene for which loss of function is not a well-established mechanism of disease; Has not been previously published as pathogenic or benign to our knowledge; Not observed at significant frequency in large population cohorts (gnomAD)

NM_020774.4(MIB1):c.1300G>T (p.Glu434Ter)

Gene: MIB1 (MIB E3 ubiquitin protein ligase 1; plus strand). Cytogenetic location: 18q11.2.
Variant type: single nucleotide variant.
Coding change: c.1300G>T on transcript NM_020774.4 (MANE Select); coding-DNA position 1300, G replaced by T.
Protein change: p.Glu434Ter; replaces glutamic acid 434 with a stop codon.
Molecular consequence: nonsense.
Genome position (GRCh38, 1-based): chr18:21,799,903, G>T. VCF-style: chr18-21799903-G-T. GRCh37 (hg19) VCF-style: chr18-19379864-G-T.
Other names: short protein forms E434*.
Identifiers: ClinVar variation 3391756 (VCV003391756.1).
Genomic context (GRCh38, chr18:21,799,903, plus strand): 5'-AGACTCTCACAACTCCTGAAGAAATTATTTGAAACCCAAGAATCTGGTGACCTCAATGAA[G>T]AATTAGTTAAGGCTGCTGCCAATGGAGATGTTGCTAAAGTGGAAGATTTGCTTAAAAGAC-3'